The following is an entry in ClinVar:

NM_002016.2(FLG):c.2778A>G (p.Ser926=)

Genes: CCDST (cervical cancer associated DHX9 suppressive transcript; plus strand), FLG (filaggrin; minus strand). Cytogenetic location: 1q21.3.
Variant type: single nucleotide variant.
Coding change: c.2778A>G on transcript NM_002016.2 (MANE Select); coding-DNA position 2778, A replaced by G.
Protein change: p.Ser926=; no amino-acid change (serine 926 retained).
Molecular consequence: synonymous variant.
Genome position (GRCh38, 1-based): chr1:152,312,108, T>C on the plus strand (A>G on the coding strand, the complement: FLG is on the minus strand). VCF-style: chr1-152312108-T-C. GRCh37 (hg19) VCF-style: chr1-152284584-T-C.
Identifiers: ClinVar variation 2639306 (VCV002639306.24), dbSNP rs753631175, ClinGen allele CA1106997.

ClinVar aggregate classification (germline): Likely benign (1 of 4 stars; one submission).

Allele frequency attached by ClinVar (database versions not stated): gnomAD exomes below 0.00001; ExAC 0.00001.

Submission:

CeGaT Center for Human Genetics Tuebingen
Classification: Likely benign. Last evaluated: 2025-09-01. Review status: criteria provided, single submitter. Criteria: CeGaT Center For Human Genetics Tuebingen Variant Classification Criteria Version 2. Collection method: clinical testing. Allele origin: germline. Affected: yes. Observed: 2 variant alleles.
Comment: FLG: BP4, BP7